The following is an entry in ClinVar:

ClinVar aggregate classification (germline): Likely pathogenic (1 of 4 stars; one submission).

Conditions:
Junctional epidermolysis bullosa. Identifiers: Orphanet 305, MedGen C0079301, MONDO:0017612.

Submission:

Women's Health and Genetics/Laboratory Corporation of America, LabCorp
Classification: Likely pathogenic for Junctional epidermolysis bullosa. Last evaluated: 2020-09-25. Review status: criteria provided, single submitter. Criteria: LabCorp Variant Classification Summary - May 2015. Collection method: clinical testing. Allele origin: germline.
Comment: Variant summary: LAMC2 c.1066+1G>T is located in a canonical splice-site and is predicted to affect mRNA splicing resulting in a significantly altered protein due to either exon skipping, shortening, or inclusion of intronic material. Several computational tools predict a significant impact on normal splicing: Four predict the variant abolishes a 5 splicing donor site. However, these predictions have yet to be confirmed by functional studies. The variant was absent in 251430 control chromosomes (gnomAD). To our knowledge, no occurrence of c.1066+1G>T in individuals affected with Herlitz Junctional Epidermolysis Bullosa and no experimental evidence demonstrating its impact on protein function have been reported. No clinical diagnostic laboratories have submitted clinical-significance assessments for this variant to ClinVar after 2014. Based on the evidence outlined above, the variant was classified as likely pathogenic.

NM_005562.3(LAMC2):c.1066+1G>T

Gene: LAMC2 (laminin subunit gamma 2; plus strand). Cytogenetic location: 1q25.3.
Variant type: single nucleotide variant.
Coding change: c.1066+1G>T on transcript NM_005562.3 (MANE Select); the canonical splice donor site of the intron after coding-DNA position 1066, G replaced by T.
Molecular consequence: splice donor variant.
Genome position (GRCh38, 1-based): chr1:183,225,721, G>T. VCF-style: chr1-183225721-G-T. GRCh37 (hg19) VCF-style: chr1-183194856-G-T.
Other names: c.1066+1G>T (NM_018891.3).
Identifiers: ClinVar variation 632872 (VCV000632872.2), dbSNP rs1558092158, ClinGen allele CA343683862.